The following is an entry in ClinVar:

ClinVar aggregate classification (germline): Uncertain significance (1 of 4 stars; one submission).

Allele frequency attached by ClinVar (database versions not stated): gnomAD exomes below 0.00001 and 0.00001.
gnomAD v4.1: 4 of 1,609,524 alleles (0.00025%); highest among the groups gnomAD compares: South Asian, 0.0044%; no homozygotes.

Submission:

Labcorp Genetics (formerly Invitae), Labcorp
Classification: Uncertain significance. Last evaluated: 2023-05-22. Review status: criteria provided, single submitter. Criteria: Invitae Variant Classification Sherloc (09022015). Collection method: clinical testing. Allele origin: germline.
Comment: In summary, the available evidence is currently insufficient to determine the role of this variant in disease. Therefore, it has been classified as a Variant of Uncertain Significance. Advanced modeling of protein sequence and biophysical properties (such as structural, functional, and spatial information, amino acid conservation, physicochemical variation, residue mobility, and thermodynamic stability) performed at Invitae indicates that this missense variant is not expected to disrupt COL9A3 protein function. ClinVar contains an entry for this variant (Variation ID: 1471624). This variant has not been reported in the literature in individuals affected with COL9A3-related conditions. The frequency data for this variant in the population databases is considered unreliable, as metrics indicate poor data quality at this position in the gnomAD database. This sequence change replaces serine, which is neutral and polar, with tyrosine, which is neutral and polar, at codon 363 of the COL9A3 protein (p.Ser363Tyr).

NM_001853.4(COL9A3):c.1088C>A (p.Ser363Tyr)

Gene: COL9A3 (collagen type IX alpha 3 chain; plus strand). Cytogenetic location: 20q13.33.
Variant type: single nucleotide variant.
Coding change: c.1088C>A on transcript NM_001853.4 (MANE Select); coding-DNA position 1088, C replaced by A.
Protein change: p.Ser363Tyr; replaces serine 363 with tyrosine.
Molecular consequence: missense variant.
Genome position (GRCh38, 1-based): chr20:62,829,662, C>A. VCF-style: chr20-62829662-C-A. GRCh37 (hg19) VCF-style: chr20-61461014-C-A.
Other names: short protein forms S363Y.
Identifiers: ClinVar variation 1471624 (VCV001471624.6), dbSNP rs376007941, ClinGen allele CA409593569.